The following is an entry in ClinVar:

ClinVar aggregate classification (germline): Likely benign. Review status: criteria provided, multiple submitters, no conflicts (2 of 4 stars). 2 submissions from 2 submitters: Likely benign (2). Last evaluated 2026-05-13.

Conditions:
MYO7A-related disorder. Also called: MYO7A-related disorders.

Allele frequency attached by ClinVar (database versions not stated): gnomAD exomes below 0.00001; gnomAD 0.00001.
gnomAD v4.1: 2 of 1,603,196 alleles (0.00012%); highest among the groups gnomAD compares: African/African-American, 0.0013%; no homozygotes.

Submissions (2):

PreventionGenetics, part of Exact Sciences
Classification: Likely benign for MYO7A-related condition. Last evaluated: 2026-05-13. Review status: criteria provided, single submitter. Criteria: ACMG Guidelines, 2015. Collection method: clinical testing. Allele origin: germline.
Comment: This variant is classified as likely benign based on ACMG/AMP sequence variant interpretation guidelines (Richards et al. 2015 PMID: 25741868, with internal and published modifications).

Labcorp Genetics (formerly Invitae), Labcorp
Classification: Likely benign. Last evaluated: 2024-02-05. Review status: criteria provided, single submitter. Criteria: Invitae Variant Classification Sherloc (09022015). Collection method: clinical testing. Allele origin: germline.

NM_000260.4(MYO7A):c.1371C>T (p.Ala457=)

Gene: MYO7A (myosin VIIA; plus strand). Cytogenetic location: 11q13.5.
Variant type: single nucleotide variant.
Coding change: c.1371C>T on transcript NM_000260.4 (MANE Select); coding-DNA position 1371, C replaced by T.
Protein change: p.Ala457=; no amino-acid change (alanine 457 retained).
Molecular consequence: synonymous variant.
Genome position (GRCh38, 1-based): chr11:77,162,147, C>T. VCF-style: chr11-77162147-C-T. GRCh37 (hg19) VCF-style: chr11-76873193-C-T.
Other names: c.1371C>T (NM_000260.3); c.1371C>T, p.Ala457= (NM_001127180.2); c.1338C>T, p.Ala446= (NM_001369365.1).
Identifiers: ClinVar variation 2796982 (VCV002796982.4), dbSNP rs1555069296, ClinGen allele CA475793625.